The following is an entry in ClinVar:

NM_005188.4(CBL):c.2185T>C (p.Cys729Arg)

Gene: CBL (Cbl proto-oncogene; plus strand). Cytogenetic location: 11q23.3.
Variant type: single nucleotide variant.
Coding change: c.2185T>C on transcript NM_005188.4 (MANE Select); coding-DNA position 2185, T replaced by C.
Protein change: p.Cys729Arg; replaces cysteine 729 with arginine.
Molecular consequence: missense variant.
Genome position (GRCh38, 1-based): chr11:119,297,415, T>C. VCF-style: chr11-119297415-T-C. GRCh37 (hg19) VCF-style: chr11-119168125-T-C.
Other names: c.2185T>C (NM_005188.2); short protein forms C729R.
Identifiers: ClinVar variation 930063 (VCV000930063.6), dbSNP rs1950071650, ClinGen allele CA382928105.
Genomic context (GRCh38, chr11:119,297,415, plus strand): 5'-ATCATTATGGCACTTTCCTTCTGGTTCAGAGCATGTGATTGCGACCAGCAGATTGATAGC[T>C]GTACGTATGAAGCAATGTATAATATTCAGTCCCAGGCGCCATCTATCACCGAGAGCAGCA-3'
Protein context (NP_005179.2, residues 719-739): ACDCDQQIDS[Cys729Arg]TYEAMYNIQS

ClinVar aggregate classification (germline): Uncertain significance. Review status: criteria provided, multiple submitters, no conflicts (2 of 4 stars). 3 submissions from 3 submitters: Uncertain significance (3). Last evaluated 2025-10-21.

Conditions:
RASopathy. Also called: rasopathies; Noonan spectrum disorder. Identifiers: Orphanet 536391, MedGen C5555857, MONDO:0021060.
Cardiovascular phenotype. Identifiers: MedGen CN230736.

gnomAD v4.1: 1 of 1,613,980 alleles (0.000062%); no homozygotes.

Submissions (3):

Labcorp Genetics (formerly Invitae), Labcorp
Classification: Uncertain significance for RASopathy. Last evaluated: 2025-10-21. Review status: criteria provided, single submitter. Criteria: Invitae Variant Classification Sherloc (09022015). Collection method: clinical testing. Allele origin: germline.
Comment: This sequence change replaces cysteine, which is neutral and slightly polar, with arginine, which is basic and polar, at codon 729 of the CBL protein (p.Cys729Arg). This variant is not present in population databases (gnomAD no frequency). This variant has not been reported in the literature in individuals affected with CBL-related conditions. ClinVar contains an entry for this variant (Variation ID: 930063). Invitae Evidence Modeling of protein sequence and biophysical properties (such as structural, functional, and spatial information, amino acid conservation, physicochemical variation, residue mobility, and thermodynamic stability) indicates that this missense variant is not expected to disrupt CBL protein function with a negative predictive value of 95%. In summary, the available evidence is currently insufficient to determine the role of this variant in disease. Therefore, it has been classified as a Variant of Uncertain Significance.

Ambry Genetics
Classification: Uncertain significance for Cardiovascular phenotype. Last evaluated: 2025-01-27. Review status: criteria provided, single submitter. Criteria: Ambry Variant Classification Scheme 2023. Collection method: clinical testing. Allele origin: germline.
Comment: The p.C729R variant (also known as c.2185T>C), located in coding exon 14 of the CBL gene, results from a T to C substitution at nucleotide position 2185. The cysteine at codon 729 is replaced by arginine, an amino acid with highly dissimilar properties. This amino acid position is conserved. In addition, this alteration is predicted to be tolerated by in silico analysis. Based on the available evidence, the clinical significance of this variant remains unclear.

Laboratory for Molecular Medicine, Mass General Brigham Personalized Medicine
Classification: Uncertain significance. Last evaluated: 2019-05-10. Review status: criteria provided, single submitter. Criteria: LMM Criteria. Collection method: clinical testing. Allele origin: germline. Observed: 1 variant allele.
Comment: The p.Cys729Arg variant in CBL has not been previously reported in individuals with Noonan spectrum disorders or juvenile myelomonocytic leukemia, and was absent from large population studies. Computational prediction tools and conservation analysis do not provide strong support for or against an impact to the protein. In summary, the clinical significance of this variant is uncertain. ACMG/AMP Criteria applied: PM2.